The following is an entry in ClinVar:

NM_003098.3(SNTA1):c.1498del (p.Arg500fs)

Gene: SNTA1 (syntrophin alpha 1; minus strand). Cytogenetic location: 20q11.21.
Variant type: Deletion.
Coding change: c.1498del on transcript NM_003098.3 (MANE Select); coding-DNA position 1498, one base deleted (C; older notation c.1498delC).
Protein change: p.Arg500fs; shifts the reading frame from arginine 500.
Molecular consequence: frameshift variant.
Genome position (GRCh38, 1-based): chr20:33,408,527, G deleted on the plus strand (C on the coding strand, the reverse complement: SNTA1 is on the minus strand); the first of 3 consecutive G bases (chr20:33,408,527-33,408,529); deleting any one gives the same sequence. VCF-style (leftmost placement, unchanged base first): chr20-33408526-CG-C. GRCh37 (hg19) VCF-style: chr20-31996332-CG-C.
Other names: c.1498delC (NM_003098.2); short protein forms R500fs.
Identifiers: ClinVar variation 632993 (VCV000632993.1), dbSNP rs1568745571, ClinGen allele CA913191087.

ClinVar aggregate classification (germline): Uncertain significance (1 of 4 stars; one submission).

Submission:

Women's Health and Genetics/Laboratory Corporation of America, LabCorp
Classification: Uncertain significance. Last evaluated: 2018-02-06. Review status: criteria provided, single submitter. Criteria: LabCorp Variant Classification Summary - May 2015. Collection method: clinical testing. Allele origin: germline.
Comment: Variant summary: SNTA1 c.1498delC (p.Arg500AlafsX13) results in a premature termination codon, predicted to cause a truncation of the encoded protein or absence of the protein due to nonsense mediated decay, which are commonly known mechanisms for disease. The variant was absent in 246252 control chromosomes (gnomAD). The available data on variant occurrences in the general population are insufficient to allow any conclusion about variant significance. To our knowledge, no occurrence of c.1498delC in individuals affected with Arrhythmia and no experimental evidence demonstrating its impact on protein function have been reported. No clinical diagnostic laboratories have submitted clinical-significance assessments for this variant to ClinVar after 2014. Based on the evidence outlined above, the variant was classified as uncertain significance.